The following is an entry in ClinVar:

ClinVar aggregate classification (germline): Uncertain significance. Review status: criteria provided, multiple submitters, no conflicts (2 of 4 stars). 2 submissions from 2 submitters: Uncertain significance (2). Last evaluated 2025-04-11.

Allele frequency attached by ClinVar (database versions not stated): gnomAD 0.00001; TOPMed 0.00001; ExAC 0.00002; gnomAD exomes 0.00002 and 0.00003; ESP Exome Variant Server 0.00008.
gnomAD v4.1: 45 of 1,613,938 alleles (0.0028%); highest among the groups gnomAD compares: Non-Finnish European, 0.0036%; no homozygotes.

Submissions (2):

Labcorp Genetics (formerly Invitae), Labcorp
Classification: Uncertain significance. Last evaluated: 2025-04-11. Review status: criteria provided, single submitter. Criteria: Invitae Variant Classification Sherloc (09022015). Collection method: clinical testing. Allele origin: germline.
Comment: This sequence change replaces cysteine, which is neutral and slightly polar, with tyrosine, which is neutral and polar, at codon 1468 of the DUOX2 protein (p.Cys1468Tyr). This variant is present in population databases (rs143154243, gnomAD 0.005%). This variant has not been reported in the literature in individuals affected with DUOX2-related conditions. ClinVar contains an entry for this variant (Variation ID: 451191). Invitae Evidence Modeling of protein sequence and biophysical properties (such as structural, functional, and spatial information, amino acid conservation, physicochemical variation, residue mobility, and thermodynamic stability) indicates that this missense variant is expected to disrupt DUOX2 protein function with a positive predictive value of 95%. In summary, the available evidence is currently insufficient to determine the role of this variant in disease. Therefore, it has been classified as a Variant of Uncertain Significance.

GeneDx
Classification: Uncertain significance. Last evaluated: 2017-08-16. Review status: criteria provided, single submitter. Criteria: GeneDx Variant Classification (06012015). Collection method: clinical testing. Allele origin: germline. Affected: yes.
Comment: The C1468Y variant in the DUOX2 gene has not been reported previously as a pathogenic variant, nor as a benign variant, to our knowledge. The C1468Y variant is observed in 2/65030 (0.003%) alleles from individuals of non-Finnish European background in the ExAC dataset (Lek et al., 2016). The C1468Y variant is a non-conservative amino acid substitution, which is likely to impact secondary protein structure as these residues differ in polarity, charge, size and/or other properties. This substitution occurs at a position that is conserved across species. In silico analysis predicts this variant is probably damaging to the protein structure/function. We interpret C1468Y as a variant of uncertain significance.

NM_001363711.2(DUOX2):c.4403G>A (p.Cys1468Tyr)

Gene: DUOX2 (dual oxidase 2; minus strand). Cytogenetic location: 15q21.1.
Variant type: single nucleotide variant.
Coding change: c.4403G>A on transcript NM_001363711.2 (MANE Select); coding-DNA position 4403, G replaced by A.
Protein change: p.Cys1468Tyr; replaces cysteine 1468 with tyrosine.
Molecular consequence: missense variant.
Genome position (GRCh38, 1-based): chr15:45,094,684, C>T on the plus strand (G>A on the coding strand, the complement: DUOX2 is on the minus strand). VCF-style: chr15-45094684-C-T. GRCh37 (hg19) VCF-style: chr15-45386882-C-T.
Other names: c.4403G>A, p.Cys1468Tyr (NM_014080.5); short protein forms C1468Y.
Identifiers: ClinVar variation 451191 (VCV000451191.7), dbSNP rs143154243, ClinGen allele CA7537521.
Genomic context (GRCh38, chr15:45,094,684, plus strand): 5'-GTGATGGAGCGCAGGCCCGTGAACAGACTCCGGTTCAGCACTTTCTGGAAGTGCCGCTCG[C>T]AGATGTACTGGGGGCACAGGGGCAGGTCAGACCAAAGACAGTCAGGGCCAGCACTCAGCC-3'
Protein context (NP_001350640.1, residues 1458-1478): FDLRTTMLYI[Cys1468Tyr]ERHFQKVLNR